The following is an entry in ClinVar:

NC_000023.10:g.(?_132669772)_(133119622_?)dup

Gene: GPC3 (glypican 3; minus strand). Cytogenetic location: Xq26.2.
Variant type: Duplication.
Identifiers: ClinVar variation 4853782 (VCV004853782.1).

ClinVar aggregate classification (germline): Uncertain significance (1 of 4 stars; one submission).

Submission:

Women's Health and Genetics/Laboratory Corporation of America, LabCorp
Classification: Uncertain significance. Last evaluated: 2026-05-19. Review status: criteria provided, single submitter. Criteria: LabCorp Variant Classification Summary - May 2015. Collection method: clinical testing. Allele origin: germline.
Comment: Variant summary: The variant involves the duplication of exons 1-8 in the GPC3 gene. A presumed nomenclature of c.(?_-146)_(*380_?)dup has been designated for the purposes of this classification. This duplication includes the entire coding sequence of the gene. As exact breakpoints are unknown, it may extend beyond the annotated region of the gene, to include other flanking genes. The variant was absent in 16099 control chromosomes. The available data on variant occurrences in the general population are insufficient to allow any conclusion about variant significance. To our knowledge, no occurrence of c.(?_-146)_(*380_?)dup in individuals affected with GPC3-related conditions and no experimental evidence demonstrating its impact on protein function have been reported. ClinVar contains an entry for this variant (Variation ID: 1064174). Based on the evidence outlined above, the variant was classified as uncertain significance.